The following is an entry in ClinVar:

NM_001161352.2(KCNMA1):c.378+304C>T

Gene: KCNMA1 (potassium calcium-activated channel subfamily M alpha 1; minus strand). Cytogenetic location: 10q22.3.
Variant type: single nucleotide variant.
Coding change: c.378+304C>T on transcript NM_001161352.2 (MANE Select); 304 bases into the intron after coding-DNA position 378, C replaced by T.
Molecular consequence: intron variant. On other transcripts: missense variant (2).
Genome position (GRCh38, 1-based): chr10:77,636,961, G>A on the plus strand (C>T on the coding strand, the complement: KCNMA1 is on the minus strand). VCF-style: chr10-77636961-G-A. GRCh37 (hg19) VCF-style: chr10-79396719-G-A.
Other names: c.424C>T, p.Leu142Phe (NM_001271520.2, NM_001322839.2); c.378+304C>T (NM_001271518.2, NM_001322832.2, NM_001410940.1 and 11 more transcripts); short protein forms L142F.
Identifiers: ClinVar variation 3775846 (VCV003775846.1).

ClinVar aggregate classification (germline): Uncertain significance (1 of 4 stars; one submission).

Conditions:
Liang-Wang syndrome. Identifiers: Orphanet 664438, MedGen C5231479, MONDO:0032886, OMIM 618729.

Submission:

3billion
Classification: Uncertain significance for Liang-Wang syndrome. Last evaluated: 2024-01-25. Review status: criteria provided, single submitter. Criteria: ACMG Guidelines, 2015. Collection method: clinical testing. Allele origin: germline. Affected: yes.
Comment: The variant is not observed in the gnomAD v2.1.1 dataset. Predicted Consequence/Location: Intron variant In silico tools predict the variant to alter splicing and produce an abnormal transcript [SpliceAI: 0.21 (>=0.2, moderate evidence for spliceogenicity)]. Therefore, this variant is classified as VUS according to the recommendation of ACMG/AMP guideline.